The following is an entry in ClinVar:

NM_001199799.2(ILDR1):c.762C>T (p.His254=)

Gene: ILDR1 (immunoglobulin like domain containing receptor 1; minus strand). Cytogenetic location: 3q13.33.
Variant type: single nucleotide variant.
Coding change: c.762C>T on transcript NM_001199799.2 (MANE Select); coding-DNA position 762, C replaced by T.
Protein change: p.His254=; no amino-acid change (histidine 254 retained).
Molecular consequence: synonymous variant. On other transcripts: intron variant (1).
Genome position (GRCh38, 1-based): chr3:121,994,198, G>A on the plus strand (C>T on the coding strand, the complement: ILDR1 is on the minus strand). VCF-style: chr3-121994198-G-A. GRCh37 (hg19) VCF-style: chr3-121713045-G-A.
Other names: c.495C>T, p.His165= (NM_001199800.2); c.647-228C>T (NM_175924.4).
Identifiers: ClinVar variation 44144 (VCV000044144.4), dbSNP rs397516638, ClinGen allele CA133665.
Genomic context (GRCh38, chr3:121,994,198, plus strand): 5'-TTGCCCTCTGCCCTCCCCTATCCCAAATCTCTGGAAGAGTTTACCTCGCTGCAGCAGCGG[G>A]TGCATTGGATAAGATGAAACCTGGGAGCTCCTGTCCGCCCCCCAGTACAGGGGTTTTCCC-3'
Protein context (NP_001186728.1, residues 244-264): RSSQVSSYPM[His254=]PLLQRDLSLP

ClinVar aggregate classification (germline): Likely benign (1 of 4 stars; one submission).

Allele frequency attached by ClinVar (database versions not stated): gnomAD exomes below 0.00001.
gnomAD v4.1: 4 of 1,536,096 alleles (0.00026%); highest among the groups gnomAD compares: East Asian, 0.0024%; no homozygotes.

Submission:

Laboratory for Molecular Medicine, Mass General Brigham Personalized Medicine
Classification: Likely benign. Last evaluated: 2012-12-07. Review status: criteria provided, single submitter. Criteria: LMM Criteria. Collection method: clinical testing. Allele origin: germline. Observed: 1 variant allele.
Comment: His254His in exon 6 of ILDR1: This variant is not expected to have clinical sign ificance because it does not alter an amino acid residue and it is not located w ithin the splice consensus sequence.